The following is an entry in ClinVar:

ClinVar aggregate classification (germline): Uncertain significance. Review status: criteria provided, multiple submitters, no conflicts (2 of 4 stars). 2 submissions from 2 submitters: Uncertain significance (2). Last evaluated 2026-06-27.

Conditions:
Hereditary cancer-predisposing syndrome. Also called: Hereditary neoplastic syndrome; Hereditary Cancer Syndrome; Neoplastic Syndromes, Hereditary; Tumor predisposition. Identifiers: Orphanet 140162, MedGen C0027672, MeSH D009386, MONDO:0015356.

Submissions (2):

Ambry Genetics
Classification: Uncertain significance for Hereditary cancer-predisposing syndrome. Last evaluated: 2026-06-27. Review status: criteria provided, single submitter. Criteria: Ambry Variant Classification Scheme 2023. Collection method: clinical testing. Allele origin: germline.
Comment: The p.V1714A variant (also known as c.5141T>C), located in coding exon 38 of the POLE gene, results from a T to C substitution at nucleotide position 5141. The valine at codon 1714 is replaced by alanine, an amino acid with similar properties. This amino acid position is conserved. In addition, the in silico prediction for this alteration is inconclusive. Based on the available evidence, the clinical significance of this variant remains unclear.

Labcorp Genetics (formerly Invitae), Labcorp
Classification: Uncertain significance. Last evaluated: 2025-08-15. Review status: criteria provided, single submitter. Criteria: Invitae Variant Classification Sherloc (09022015). Collection method: clinical testing. Allele origin: germline.
Comment: This sequence change replaces valine, which is neutral and non-polar, with alanine, which is neutral and non-polar, at codon 1714 of the POLE protein (p.Val1714Ala). This variant is not present in population databases (gnomAD no frequency). This variant has not been reported in the literature in individuals affected with POLE-related conditions. ClinVar contains an entry for this variant (Variation ID: 2703847). Invitae Evidence Modeling of protein sequence and biophysical properties (such as structural, functional, and spatial information, amino acid conservation, physicochemical variation, residue mobility, and thermodynamic stability) indicates that this missense variant is not expected to disrupt POLE protein function with a negative predictive value of 80%. In summary, the available evidence is currently insufficient to determine the role of this variant in disease. Therefore, it has been classified as a Variant of Uncertain Significance.

NM_006231.4(POLE):c.5141T>C (p.Val1714Ala)

Gene: POLE (DNA polymerase epsilon, catalytic subunit; minus strand). Cytogenetic location: 12q24.33.
Variant type: single nucleotide variant.
Coding change: c.5141T>C on transcript NM_006231.4 (MANE Select); coding-DNA position 5141, T replaced by C.
Protein change: p.Val1714Ala; replaces valine 1714 with alanine.
Molecular consequence: missense variant.
Genome position (GRCh38, 1-based): chr12:132,642,209, A>G on the plus strand (T>C on the coding strand, the complement: POLE is on the minus strand). VCF-style: chr12-132642209-A-G. GRCh37 (hg19) VCF-style: chr12-133218795-A-G.
Other names: c.5141T>C (NM_006231.2); short protein forms V1714A.
Identifiers: ClinVar variation 2703847 (VCV002703847.4), dbSNP rs2541883328, ClinGen allele CA387376734.